The following is an entry in ClinVar:

ClinVar aggregate classification (germline): Uncertain significance (1 of 4 stars; one submission).

Conditions:
Peroxisome biogenesis disorder, complementation group 7 (CG7). Also called: Peroxisome biogenesis disorder, complementation group B. Identifiers: MedGen C1864399.

Allele frequency attached by ClinVar (database versions not stated): gnomAD 0.00001; TOPMed 0.00001.

Submission:

Labcorp Genetics (formerly Invitae), Labcorp
Classification: Uncertain significance for Peroxisome biogenesis disorder, complementation group 7. Last evaluated: 2021-08-27. Review status: criteria provided, single submitter. Criteria: Invitae Variant Classification Sherloc (09022015). Collection method: clinical testing. Allele origin: germline.
Comment: This sequence change replaces proline with arginine at codon 3 of the PEX10 protein (p.Pro3Arg). The proline residue is weakly conserved and there is a moderate physicochemical difference between proline and arginine. The frequency data for this variant in the population databases is considered unreliable, as metrics indicate insufficient coverage at this position in the ExAC database. This variant has not been reported in the literature in individuals affected with PEX10-related conditions. Algorithms developed to predict the effect of missense changes on protein structure and function output the following: SIFT: "Tolerated"; PolyPhen-2: "Benign"; Align-GVGD: "Class C0". The arginine amino acid residue is found in multiple mammalian species, which suggests that this missense change does not adversely affect protein function. In summary, the available evidence is currently insufficient to determine the role of this variant in disease. Therefore, it has been classified as a Variant of Uncertain Significance.

NM_002617.4(PEX10):c.8C>G (p.Pro3Arg)

Gene: PEX10 (peroxisomal biogenesis factor 10; minus strand). Cytogenetic location: 1p36.32.
Variant type: single nucleotide variant.
Coding change: c.8C>G on transcript NM_002617.4 (MANE Select); coding-DNA position 8, C replaced by G.
Protein change: p.Pro3Arg; replaces proline 3 with arginine.
Molecular consequence: missense variant. On other transcripts: intron variant (2).
Genome position (GRCh38, 1-based): chr1:2,412,495, G>C on the plus strand (C>G on the coding strand, the complement: PEX10 is on the minus strand). VCF-style: chr1-2412495-G-C. GRCh37 (hg19) VCF-style: chr1-2343934-G-C.
Other names: c.8C>G, p.Pro3Arg (NM_001374425.1, NM_153818.2); c.-321+1102C>G (NM_001374427.1, NM_001374426.1); short protein forms P3R.
Identifiers: ClinVar variation 1492068 (VCV001492068.5), dbSNP rs528381804, ClinGen allele CA16947608.